The following is an entry in ClinVar:

ClinVar aggregate classification (germline): Uncertain significance. Review status: criteria provided, single submitter (1 of 4 stars). 2 submissions from 2 submitters: Uncertain significance (1). 1 of the submissions does not count toward it. Last evaluated 2018-01-13.

Conditions:
Rotor syndrome (HBLRR). Also called: HYPERBILIRUBINEMIA, ROTOR TYPE, DIGENIC; HYPERBILIRUBINEMIA, ROTOR TYPE. Identifiers: Orphanet 3111, MedGen C0220991, MONDO:0009379, OMIM 237450.
SLCO1B3-related disorder. Also called: SLCO1B3-related condition.

Allele frequency attached by ClinVar (database versions not stated): gnomAD exomes 0.00004 and 0.00011; gnomAD 0.00006 and 0.00008; ESP Exome Variant Server 0.00008; ExAC 0.00012; TOPMed 0.00013; 1000 Genomes Project 30x 0.00047; 1000 Genomes Project 0.00060.
gnomAD v4.1: 65 of 1,610,404 alleles (0.004%); highest among the groups gnomAD compares: East Asian, 0.078%; no homozygotes.

Submissions (2):

Illumina Laboratory Services, Illumina
Classification: Uncertain significance for Rotor syndrome. Last evaluated: 2018-01-13. Review status: criteria provided, single submitter. Criteria: ICSL Variant Classification Criteria 13 December 2019. Collection method: clinical testing. Allele origin: germline.

PreventionGenetics, part of Exact Sciences
Classification: Likely benign for SLCO1B3-related condition. Last evaluated: 2024-06-20. Review status: no assertion criteria provided. Collection method: clinical testing. Allele origin: germline. Not counted in ClinVar's aggregate classification.
Comment: This variant is classified as likely benign based on ACMG/AMP sequence variant interpretation guidelines (Richards et al. 2015 PMID: 25741868, with internal and published modifications).

NM_019844.4(SLCO1B3):c.1308C>T (p.Ala436=)

Genes: SLCO1B3 (solute carrier organic anion transporter family member 1B3; plus strand), SLCO1B3-SLCO1B7 (SLCO1B3-SLCO1B7 readthrough; plus strand). Cytogenetic location: 12p12.2.
Variant type: single nucleotide variant.
Coding change: c.1308C>T on transcript NM_019844.4 (MANE Select); coding-DNA position 1308, C replaced by T.
Protein change: p.Ala436=; no amino-acid change (alanine 436 retained).
Molecular consequence: synonymous variant.
Genome position (GRCh38, 1-based): chr12:20,879,608, C>T. VCF-style: chr12-20879608-C-T. GRCh37 (hg19) VCF-style: chr12-21032542-C-T.
Other names: c.1224C>T, p.Ala408= (NM_001349920.2).
Identifiers: ClinVar variation 307903 (VCV000307903.6), dbSNP rs147428265, ClinGen allele CA6475520.